The following is an entry in ClinVar:

ClinVar aggregate classification (germline): Uncertain significance (1 of 4 stars; one submission).

Conditions:
Familial adenomatous polyposis 1 (FAP1). Also called: FAMILIAL ADENOMATOUS POLYPOSIS 1, ATTENUATED; POLYPOSIS, ADENOMATOUS INTESTINAL. Identifiers: MedGen C2713442, MONDO:0021056, OMIM 175100. Disease mechanism: loss of function.

Submission:

Labcorp Genetics (formerly Invitae), Labcorp
Classification: Uncertain significance for Familial adenomatous polyposis 1. Last evaluated: 2024-03-26. Review status: criteria provided, single submitter. Criteria: Invitae Variant Classification Sherloc (09022015). Collection method: clinical testing. Allele origin: germline.
Comment: This sequence change replaces leucine, which is neutral and non-polar, with methionine, which is neutral and non-polar, at codon 1509 of the APC protein (p.Leu1509Met). This variant is not present in population databases (gnomAD no frequency). This variant has not been reported in the literature in individuals affected with APC-related conditions. Advanced modeling of protein sequence and biophysical properties (such as structural, functional, and spatial information, amino acid conservation, physicochemical variation, residue mobility, and thermodynamic stability) performed at Invitae indicates that this missense variant is not expected to disrupt APC protein function with a negative predictive value of 95%. In summary, the available evidence is currently insufficient to determine the role of this variant in disease. Therefore, it has been classified as a Variant of Uncertain Significance.

NM_000038.6(APC):c.4525C>A (p.Leu1509Met)

Gene: APC (APC regulator of Wnt signaling pathway; plus strand). Cytogenetic location: 5q22.2.
Variant type: single nucleotide variant.
Coding change: c.4525C>A on transcript NM_000038.6 (MANE Select); coding-DNA position 4525, C replaced by A.
Protein change: p.Leu1509Met; replaces leucine 1509 with methionine.
Molecular consequence: missense variant. On other transcripts: non-coding transcript variant (2).
Genome position (GRCh38, 1-based): chr5:112,840,119, C>A. VCF-style: chr5-112840119-C-A. GRCh37 (hg19) VCF-style: chr5-112175816-C-A.
Other names: c.4525C>A, p.Leu1509Met (NM_001127510.3, NM_001354895.2, NM_001407450.1); c.4471C>A, p.Leu1491Met (NM_001127511.3); c.4579C>A, p.Leu1527Met (NM_001354896.2, NM_001407447.1, NM_001407448.1 and 1 more transcripts); c.4555C>A, p.Leu1519Met (NM_001354897.2); c.4450C>A, p.Leu1484Met (NM_001354898.2); c.4441C>A, p.Leu1481Met (NM_001354899.2); c.4402C>A, p.Leu1468Met (NM_001354900.2); c.4348C>A, p.Leu1450Met (NM_001354901.2, NM_001407453.1); and 11 more; short protein forms L1125M, L1226M, L1527M, L1349M, L1418M, L1484M, L1499M, L1383M.
Identifiers: ClinVar variation 3635466 (VCV003635466.2).